The following is an entry in ClinVar:

ClinVar aggregate classification (germline): Pathogenic (1 of 4 stars; one submission).

Submission:

GeneDx
Classification: Pathogenic. Last evaluated: 2026-04-01. Review status: criteria provided, single submitter. Criteria: GeneDx Variant Classification Process June 2021. Collection method: clinical testing. Allele origin: germline.
Comment: Nonsense variant predicted to result in protein truncation or nonsense mediated decay in a gene for which loss of function is a known mechanism of disease; Not observed at significant frequency in large population cohorts (gnomAD); Has not been previously published as pathogenic or benign to our knowledge

NM_015015.3(KDM4B):c.1979G>A (p.Trp660Ter)

Gene: KDM4B (lysine demethylase 4B; plus strand). Cytogenetic location: 19p13.3.
Variant type: single nucleotide variant.
Coding change: c.1979G>A on transcript NM_015015.3 (MANE Select); coding-DNA position 1979, G replaced by A.
Protein change: p.Trp660Ter; replaces tryptophan 660 with a stop codon.
Molecular consequence: nonsense.
Genome position (GRCh38, 1-based): chr19:5,133,955, G>A. VCF-style: chr19-5133955-G-A. GRCh37 (hg19) VCF-style: chr19-5133966-G-A.
Other names: c.2081G>A, p.Trp694Ter (NM_001411148.1); short protein forms W660*, W694*.
Identifiers: ClinVar variation 5017871 (VCV005017871.1).
Genomic context (GRCh38, chr19:5,133,955, plus strand): 5'-TCTCCGGGGAGGAAGATGTGAGTGACCCGGACGCCTTGAGGCCGCTGCTGTCTCTGCAGT[G>A]GAAGAACAGGGCGGCCAGCTTCCAGGCCGAGAGGAAGTTCAACGCAGCGGCTGCGCGCAC-3'